The following is an entry in ClinVar:

NM_000179.3(MSH6):c.2825C>A (p.Ala942Asp)

Gene: MSH6 (mutS homolog 6; plus strand). Cytogenetic location: 2p16.3.
Variant type: single nucleotide variant.
Coding change: c.2825C>A on transcript NM_000179.3 (MANE Select); coding-DNA position 2825, C replaced by A.
Protein change: p.Ala942Asp; replaces alanine 942 with aspartic acid.
Molecular consequence: missense variant.
Genome position (GRCh38, 1-based): chr2:47,800,808, C>A. VCF-style: chr2-47800808-C-A. GRCh37 (hg19) VCF-style: chr2-48027947-C-A.
Other names: c.2435C>A, p.Ala812Asp (NM_001281492.2); c.1919C>A, p.Ala640Asp (NM_001281493.2, NM_001281494.2); short protein forms A812D, A640D, A942D.
Identifiers: ClinVar variation 821861 (VCV000821861.18), dbSNP rs760406178, ClinGen allele CA069672.

ClinVar aggregate classification (germline): Conflicting classifications of pathogenicity. Review status: criteria provided, conflicting classifications (1 of 4 stars). 3 submissions from 3 submitters: Uncertain significance (2); Likely benign (1). Last evaluated 2025-02-19.

Conditions:
Hereditary nonpolyposis colorectal neoplasms. Identifiers: MedGen C0009405, MeSH D003123.
Hereditary cancer-predisposing syndrome. Also called: Tumor predisposition; Hereditary Cancer Syndrome; Neoplastic Syndromes, Hereditary; Hereditary neoplastic syndrome. Identifiers: Orphanet 140162, MedGen C0027672, MeSH D009386, MONDO:0015356.

Allele frequency attached by ClinVar (database versions not stated): gnomAD exomes below 0.00001 and 0.00001; ExAC 0.00001.
gnomAD v4.1: 7 of 1,614,088 alleles (0.00043%); highest among the groups gnomAD compares: South Asian, 0.0066%; no homozygotes.

Submissions (3):

Labcorp Genetics (formerly Invitae), Labcorp
Classification: Likely benign for Hereditary nonpolyposis colorectal neoplasms. Last evaluated: 2025-02-19. Review status: criteria provided, single submitter. Criteria: Invitae Variant Classification Sherloc (09022015). Collection method: clinical testing. Allele origin: germline.

Ambry Genetics
Classification: Uncertain significance for Hereditary cancer-predisposing syndrome. Last evaluated: 2024-08-27. Review status: criteria provided, single submitter. Criteria: Ambry Variant Classification Scheme 2023. Collection method: clinical testing. Allele origin: germline.
Comment: The p.A942D variant (also known as c.2825C>A), located in coding exon 4 of the MSH6 gene, results from a C to A substitution at nucleotide position 2825. The alanine at codon 942 is replaced by aspartic acid, an amino acid with dissimilar properties. This amino acid position is not well conserved in available vertebrate species. In addition, the in silico prediction for this alteration is inconclusive. Based on the available evidence, the clinical significance of this variant remains unclear.

Color Diagnostics, LLC DBA Color Health
Classification: Uncertain significance for Hereditary cancer-predisposing syndrome. Last evaluated: 2024-03-06. Review status: criteria provided, single submitter. Criteria: ACMG Guidelines, 2015. Collection method: clinical testing. Allele origin: germline.
Comment: This missense variant replaces alanine with aspartic acid at codon 942 of the MSH6 protein. Computational prediction suggests that this variant may not impact protein structure and function (internally defined REVEL score threshold <= 0.5, PMID: 27666373). To our knowledge, functional studies have not been reported for this variant. This variant has not been reported in individuals affected with MSH6-related disorders in the literature. This variant has been identified in 2/250504 chromosomes in the general population by the Genome Aggregation Database (gnomAD). The available evidence is insufficient to determine the role of this variant in disease conclusively. Therefore, this variant is classified as a Variant of Uncertain Significance.